The following is an entry in ClinVar:

ClinVar aggregate classification (germline): Uncertain significance. Review status: criteria provided, multiple submitters, no conflicts (2 of 4 stars). 6 submissions from 6 submitters: Uncertain significance (5). 1 of the submissions does not count toward it. Last evaluated 2025-12-20.

Conditions:
Cardiovascular phenotype. Identifiers: MedGen CN230736.
Alstrom syndrome (ALMS). Identifiers: Orphanet 64, MedGen C0268425, MONDO:0008763, OMIM 203800.

Allele frequency attached by ClinVar (database versions not stated): gnomAD exomes 0.00001; TOPMed 0.00002.
gnomAD v4.1: 20 of 1,613,564 alleles (0.0012%); highest among the groups gnomAD compares: Non-Finnish European, 0.0016%; no homozygotes.

Submissions (6):

Labcorp Genetics (formerly Invitae), Labcorp
Classification: Uncertain significance for Alstrom syndrome. Last evaluated: 2025-12-20. Review status: criteria provided, single submitter. Criteria: Invitae Variant Classification Sherloc (09022015). Collection method: clinical testing. Allele origin: germline.
Comment: This sequence change replaces tryptophan, which is neutral and slightly polar, with cysteine, which is neutral and slightly polar, at codon 156 of the ALMS1 protein (p.Trp156Cys). This variant is present in population databases (no rsID available, gnomAD 0.002%). This variant has not been reported in the literature in individuals affected with ALMS1-related conditions. ClinVar contains an entry for this variant (Variation ID: 550443). Experimental studies and prediction algorithms are not available or were not evaluated, and the functional significance of this variant is currently unknown. In summary, the available evidence is currently insufficient to determine the role of this variant in disease. Therefore, it has been classified as a Variant of Uncertain Significance.

GeneDx
Classification: Uncertain significance. Last evaluated: 2025-10-30. Review status: criteria provided, single submitter. Criteria: GeneDx Variant Classification Process June 2021. Collection method: clinical testing. Allele origin: germline.
Comment: Not observed at significant frequency in large population cohorts (gnomAD); In silico analysis supports that this missense variant has a deleterious effect on protein structure/function; Has not been previously published as pathogenic or benign to our knowledge

Women's Health and Genetics/Laboratory Corporation of America, LabCorp
Classification: Uncertain significance. Last evaluated: 2025-09-29. Review status: criteria provided, single submitter. Criteria: LabCorp Variant Classification Summary - May 2015. Collection method: clinical testing. Allele origin: germline.

Ambry Genetics
Classification: Uncertain significance for Cardiovascular phenotype. Last evaluated: 2024-10-10. Review status: criteria provided, single submitter. Criteria: Ambry Variant Classification Scheme 2023. Collection method: clinical testing. Allele origin: germline.
Comment: The p.W156C variant (also known as c.468G>C), located in coding exon 3 of the ALMS1 gene, results from a G to C substitution at nucleotide position 468. The tryptophan at codon 156 is replaced by cysteine, an amino acid with highly dissimilar properties. This amino acid position is highly conserved in available vertebrate species. In addition, the in silico prediction for this alteration is inconclusive. Since supporting evidence is limited at this time, the clinical significance of this alteration remains unclear.

Blueprint Genetics
Classification: Uncertain significance. Last evaluated: 2022-09-30. Review status: criteria provided, single submitter. Criteria: ACMG Guidelines, 2015. Collection method: clinical testing. Allele origin: germline.

Counsyl
Classification: Uncertain significance for Alstrom syndrome. Last evaluated: 2017-01-17. Review status: no assertion criteria provided. Collection method: clinical testing. Allele origin: unknown. Not counted in ClinVar's aggregate classification.

NM_001378454.1(ALMS1):c.465G>C (p.Trp155Cys)

Gene: ALMS1 (ALMS1 centrosome and basal body associated protein; plus strand). Cytogenetic location: 2p13.1.
Variant type: single nucleotide variant.
Coding change: c.465G>C on transcript NM_001378454.1 (MANE Select); coding-DNA position 465, G replaced by C.
Protein change: p.Trp155Cys; replaces tryptophan 155 with cysteine.
Molecular consequence: missense variant.
Genome position (GRCh38, 1-based): chr2:73,419,137, G>C. VCF-style: chr2-73419137-G-C. GRCh37 (hg19) VCF-style: chr2-73646265-G-C.
Other names: c.468G>C, p.Trp156Cys (NM_015120.4); short protein forms W156C, W155C.
Identifiers: ClinVar variation 550443 (VCV000550443.12), dbSNP rs1414087888, ClinGen allele CA347258862.